The following is an entry in ClinVar:

NM_005055.5(RAPSN):c.370C>T (p.Gln124Ter)

Gene: RAPSN (receptor associated protein of the synapse; minus strand). Cytogenetic location: 11p11.2.
Variant type: single nucleotide variant.
Coding change: c.370C>T on transcript NM_005055.5 (MANE Select); coding-DNA position 370, C replaced by T.
Protein change: p.Gln124Ter; replaces glutamine 124 with a stop codon.
Molecular consequence: nonsense.
Genome position (GRCh38, 1-based): chr11:47,447,973, G>A on the plus strand (C>T on the coding strand, the complement: RAPSN is on the minus strand). VCF-style: chr11-47447973-G-A. GRCh37 (hg19) VCF-style: chr11-47469525-G-A.
Other names: c.370C>T, p.Gln124Ter (NM_032645.5); short protein forms Q124*.
Identifiers: ClinVar variation 476121 (VCV000476121.20), dbSNP rs1479498379, ClinGen allele CA380334223.

ClinVar aggregate classification (germline): Pathogenic/Likely pathogenic. Review status: criteria provided, multiple submitters, no conflicts (2 of 4 stars). 7 submissions from 7 submitters: Pathogenic (6); Likely pathogenic (1). Last evaluated 2025-05-30.

Conditions:
Fetal akinesia deformation sequence 2. Identifiers: MedGen C4760576, MONDO:0100102, OMIM 618388.
RAPSN-related disorder. Also called: RAPSN-related condition; RAPSN-related disorders. Identifiers: MedGen CN239397.
Congenital myasthenic syndrome (CMS). Also called: Congenital Myasthenic Syndromes. Identifiers: Orphanet 590, MedGen C0751882, MeSH D020294, MONDO:0018940.
Fetal akinesia deformation sequence 1 (FADS1). Also called: Fetal akinesia sequence; Pena-Shokeir syndrome type I. Identifiers: Orphanet 994, MedGen C1276035, MONDO:0100101, OMIM 208150, HP:0001989.
Congenital myasthenic syndrome 11. Also called: MYASTHENIC SYNDROME, CONGENITAL, Ie; Myasthenic syndrome, congenital, 11, associated with acetylcholine receptor deficiency. Identifiers: Orphanet 590, MedGen C4225367, MONDO:0014588, OMIM 616326.

Allele frequency attached by ClinVar (database versions not stated): TOPMed below 0.00001; gnomAD exomes below 0.00001 and 0.00002.
gnomAD v4.1: 27 of 1,613,892 alleles (0.0017%); highest among the groups gnomAD compares: Non-Finnish European, 0.0023%; no homozygotes.

Submissions (7):

PreventionGenetics, part of Exact Sciences
Classification: Pathogenic for RAPSN-related condition. Last evaluated: 2025-05-30. Review status: criteria provided, single submitter. Criteria: ACMG Guidelines, 2015. Collection method: clinical testing. Allele origin: germline.
Comment: The RAPSN c.370C>T variant is predicted to result in premature protein termination (p.Gln124*). This variant was reported together with a second RAPSN pathogenic variant in an individual with congenital myasthenic syndrome (Burke et al. 2003. PubMed ID: 14504330). This variant is reported in 0.0062% of alleles in individuals of African descent in gnomAD. Nonsense variants in RAPSN are expected to be pathogenic. This variant is interpreted as pathogenic.

Myriad Genetics, Inc.
Classification: Pathogenic for RAPSN-related disorder. Last evaluated: 2024-05-06. Review status: criteria provided, single submitter. Criteria: Myriad Autosomal Dominant, Autosomal Recessive and X-Linked Classification Criteria (2023). Collection method: clinical testing. Allele origin: unknown.
Comment: NM_005055.4(RAPSN):c.370C>T(Q124*) is expected to be pathogenic in the context of RAPSN-related disorders. This variant is predicted to lead to an abnormal or absent protein product due to the creation of a premature termination codon in RAPSN, a gene where loss-of-function variants are known to be pathogenic. Please note: this variant was assessed in the context of healthy population screening.

Natera, Inc.
Classification: Pathogenic for Congenital myasthenic syndrome. Last evaluated: 2024-03-27. Review status: criteria provided, single submitter. Criteria: Natera Variant Classification Schema (03/2026). Collection method: clinical testing. Allele origin: germline.
Comment: The c.370C>T variant in RAPSN is a nonsense variant predicted to introduce a stop codon at amino acid 124. This variant is expected to result in nonsense mediated decay, truncation, or a dysfunctional protein product. This variant is rare in the general population with a frequency below the threshold expected for the associated phenotype(s). This variant has been observed in one or more individuals affected with the associated recessive disease, as either homozygous or compound heterozygous with a second variant (PMID: 14504330). Given the available evidence, this variant is classified as Pathogenic.

GeneDx
Classification: Pathogenic. Last evaluated: 2024-02-06. Review status: criteria provided, single submitter. Criteria: GeneDx Variant Classification Process June 2021. Collection method: clinical testing. Allele origin: germline. Affected: yes.
Comment: Nonsense variant predicted to result in protein truncation or nonsense mediated decay in a gene for which loss of function is a known mechanism of disease; Not observed at significant frequency in large population cohorts (gnomAD); This variant is associated with the following publications: (PMID: 36815443, 14504330)

Labcorp Genetics (formerly Invitae), Labcorp
Classification: Pathogenic for Congenital myasthenic syndrome 11; Fetal akinesia deformation sequence 1. Last evaluated: 2023-08-10. Review status: criteria provided, single submitter. Criteria: Invitae Variant Classification Sherloc (09022015). Collection method: clinical testing. Allele origin: germline.
Comment: For these reasons, this variant has been classified as Pathogenic. This sequence change creates a premature translational stop signal (p.Gln124*) in the RAPSN gene. It is expected to result in an absent or disrupted protein product. Loss-of-function variants in RAPSN are known to be pathogenic (PMID: 17686188). The frequency data for this variant in the population databases is considered unreliable, as metrics indicate poor data quality at this position in the gnomAD database. This premature translational stop signal has been observed in individual(s) with congenital myasthenic syndrome (PMID: 14504330). In at least one individual the data is consistent with being in trans (on the opposite chromosome) from a pathogenic variant. ClinVar contains an entry for this variant (Variation ID: 476121).

Baylor Genetics
Classification: Pathogenic for Fetal akinesia deformation sequence 2. Last evaluated: 2023-06-28. Review status: criteria provided, single submitter. Criteria: ACMG Guidelines, 2015. Collection method: clinical testing. Allele origin: unknown.

Women's Health and Genetics/Laboratory Corporation of America, LabCorp
Classification: Likely pathogenic for Congenital myasthenic syndrome. Last evaluated: 2023-01-16. Review status: criteria provided, single submitter. Criteria: LabCorp Variant Classification Summary - May 2015. Collection method: clinical testing. Allele origin: germline.
Comment: Variant summary: RAPSN c.370C>T (p.Gln124X) results in a premature termination codon, predicted to cause a truncation of the encoded protein or absence of the protein due to nonsense mediated decay, which are commonly known mechanisms for disease. The variant allele was found at a frequency of 4e-06 in 250446 control chromosomes (gnomAD). c.370C>T has been reported in the literature in the compound heterozygous state with a common pathogenic variant (p.N88K) in at least one individual affected with Congenital Myasthenic Syndrome (Burke_2003). To our knowledge, no experimental evidence demonstrating an impact on protein function has been reported. One clinical diagnostic laboratory has submitted a clinical-significance assessment for this variant to ClinVar after 2014 without evidence for independent evaluation and classified the variant as pathogenic. Based on the evidence outlined above, the variant was classified as likely pathogenic.

Literature cited by the submitters: PubMed 14504330 (cited by 3 submitters); PubMed 17686188 (cited by Labcorp Genetics (formerly Invitae), Labcorp).